The following is an entry in ClinVar:

NM_000038.6(APC):c.1192A>G (p.Lys398Glu)

Gene: APC (APC regulator of Wnt signaling pathway; plus strand). Cytogenetic location: 5q22.2.
Variant type: single nucleotide variant.
Coding change: c.1192A>G on transcript NM_000038.6 (MANE Select); coding-DNA position 1192, A replaced by G.
Protein change: p.Lys398Glu; replaces lysine 398 with glutamic acid.
Molecular consequence: missense variant. On other transcripts: intron variant (4).
Genome position (GRCh38, 1-based): chr5:112,819,224, A>G. VCF-style: chr5-112819224-A-G. GRCh37 (hg19) VCF-style: chr5-112154921-A-G.
Other names: c.1192A>G, p.Lys398Glu (NM_001127510.3, NM_001354895.2, NM_001354896.2); c.1138A>G, p.Lys380Glu (NM_001127511.3); c.1222A>G, p.Lys408Glu (NM_001354897.2); c.1117A>G, p.Lys373Glu (NM_001354898.2); c.1108A>G, p.Lys370Glu (NM_001354899.2); c.1015A>G, p.Lys339Glu (NM_001354900.2, NM_001354901.2); c.343A>G, p.Lys115Glu (NM_001354906.2); c.964-45A>G (NM_001354902.2); and 3 more; short protein forms K115E, K339E, K370E, K373E, K380E, K398E, K408E.
Identifiers: ClinVar variation 1023938 (VCV001023938.10), dbSNP rs765196085, ClinGen allele CA16023915.

ClinVar aggregate classification (germline): Uncertain significance (1 of 4 stars; one submission).

Conditions:
Familial adenomatous polyposis 1 (FAP1). Also called: POLYPOSIS, ADENOMATOUS INTESTINAL; FAMILIAL ADENOMATOUS POLYPOSIS 1, ATTENUATED. Identifiers: MedGen C2713442, MONDO:0021056, OMIM 175100. Disease mechanism: loss of function.

Submission:

Labcorp Genetics (formerly Invitae), Labcorp
Classification: Uncertain significance for Familial adenomatous polyposis 1. Last evaluated: 2023-12-27. Review status: criteria provided, single submitter. Criteria: Invitae Variant Classification Sherloc (09022015). Collection method: clinical testing. Allele origin: germline.
Comment: This sequence change replaces lysine, which is basic and polar, with glutamic acid, which is acidic and polar, at codon 398 of the APC protein (p.Lys398Glu). This variant is not present in population databases (gnomAD no frequency). This variant has not been reported in the literature in individuals affected with APC-related conditions. ClinVar contains an entry for this variant (Variation ID: 1023938). Advanced modeling of protein sequence and biophysical properties (such as structural, functional, and spatial information, amino acid conservation, physicochemical variation, residue mobility, and thermodynamic stability) performed at Invitae indicates that this missense variant is not expected to disrupt APC protein function with a negative predictive value of 95%. In summary, the available evidence is currently insufficient to determine the role of this variant in disease. Therefore, it has been classified as a Variant of Uncertain Significance.